The following is an entry in ClinVar:

NM_182641.4(BPTF):c.1864+562A>T

Gene: BPTF (bromodomain PHD finger transcription factor; plus strand). Cytogenetic location: 17q24.2.
Variant type: single nucleotide variant.
Coding change: c.1864+562A>T on transcript NM_182641.4 (MANE Select); 562 bases into the intron after coding-DNA position 1864, A replaced by T.
Molecular consequence: intron variant. On other transcripts: missense variant (1).
Genome position (GRCh38, 1-based): chr17:67,875,582, A>T. VCF-style: chr17-67875582-A-T. GRCh37 (hg19) VCF-style: chr17-65871698-A-T.
Other names: c.1891A>T, p.Asn631Tyr (NM_004459.7); short protein forms N631Y.
Identifiers: ClinVar variation 2430733 (VCV002430733.2), dbSNP rs2510604341, ClinGen allele CA400714691.

ClinVar aggregate classification (germline): Uncertain significance. Review status: criteria provided, multiple submitters, no conflicts (2 of 4 stars). 2 submissions from 2 submitters: Uncertain significance (2). Last evaluated 2024-06-27.

Submissions (2):

Blueprint Genetics
Classification: Uncertain significance. Last evaluated: 2024-06-27. Review status: criteria provided, single submitter. Criteria: ACMG Guidelines, 2015. Collection method: clinical testing. Allele origin: germline.

GeneDx
Classification: Uncertain significance. Last evaluated: 2022-08-22. Review status: criteria provided, single submitter. Criteria: GeneDx Variant Classification Process June 2021. Collection method: clinical testing. Allele origin: germline. Affected: yes.
Comment: Not observed at significant frequency in large population cohorts (gnomAD); In silico analysis supports that this missense variant has a deleterious effect on protein structure/function; Has not been previously published as pathogenic or benign to our knowledge